The following is an entry in ClinVar:

ClinVar aggregate classification (germline): Uncertain significance (1 of 4 stars; one submission).

Conditions:
Oligodontia-cancer predisposition syndrome. Also called: TOOTH AGENESIS-COLORECTAL CANCER SYNDROME. Identifiers: Orphanet 300576, MedGen C1837750, MONDO:0012075, OMIM 608615. Disease mechanism: loss of function.

Submission:

Labcorp Genetics (formerly Invitae), Labcorp
Classification: Uncertain significance for Oligodontia-cancer predisposition syndrome. Last evaluated: 2025-02-02. Review status: criteria provided, single submitter. Criteria: Invitae Variant Classification Sherloc (09022015). Collection method: clinical testing. Allele origin: germline.
Comment: This sequence change replaces glutamic acid, which is acidic and polar, with lysine, which is basic and polar, at codon 30 of the AXIN2 protein (p.Glu30Lys). This variant is not present in population databases (gnomAD no frequency). This variant has not been reported in the literature in individuals affected with AXIN2-related conditions. Invitae Evidence Modeling of protein sequence and biophysical properties (such as structural, functional, and spatial information, amino acid conservation, physicochemical variation, residue mobility, and thermodynamic stability) indicates that this missense variant is expected to disrupt AXIN2 protein function with a positive predictive value of 80%. In summary, the available evidence is currently insufficient to determine the role of this variant in disease. Therefore, it has been classified as a Variant of Uncertain Significance.

NM_004655.4(AXIN2):c.88G>A (p.Glu30Lys)

Gene: AXIN2 (axin 2; minus strand). Cytogenetic location: 17q24.1.
Variant type: single nucleotide variant.
Coding change: c.88G>A on transcript NM_004655.4 (MANE Select); coding-DNA position 88, G replaced by A.
Protein change: p.Glu30Lys; replaces glutamic acid 30 with lysine.
Molecular consequence: missense variant.
Genome position (GRCh38, 1-based): chr17:65,558,533, C>T on the plus strand (G>A on the coding strand, the complement: AXIN2 is on the minus strand). VCF-style: chr17-65558533-C-T. GRCh37 (hg19) VCF-style: chr17-63554651-C-T.
Other names: c.88G>A, p.Glu30Lys (NM_001363813.1); short protein forms E30K.
Identifiers: ClinVar variation 3712921 (VCV003712921.2).